The following is an entry in ClinVar:

ClinVar aggregate classification (germline): Benign (1 of 4 stars; one submission).

Conditions:
Sessile serrated polyposis cancer syndrome (SSPCS). Identifiers: Orphanet 157798, MedGen C4310714, MONDO:0014919, OMIM 617108.

Submission:

Myriad Genetics, Inc.
Classification: Benign for Sessile serrated polyposis cancer syndrome. Last evaluated: 2026-07-01. Review status: criteria provided, single submitter. Criteria: Myriad Autosomal Dominant, Autosomal Recessive and X-Linked Classification Criteria (2023). Collection method: clinical testing. Allele origin: unknown.
Comment: This variant is considered benign. This variant is a silent/synonymous amino acid change and it is not expected to impact splicing.

NM_017763.6(RNF43):c.1107C>T (p.Pro369=)

Gene: RNF43 (ring finger protein 43; minus strand). Cytogenetic location: 17q22.
Variant type: single nucleotide variant.
Coding change: c.1107C>T on transcript NM_017763.6 (MANE Select); coding-DNA position 1107, C replaced by T.
Protein change: p.Pro369=; no amino-acid change (proline 369 retained).
Molecular consequence: synonymous variant.
Genome position (GRCh38, 1-based): chr17:58,358,669, G>A on the plus strand (C>T on the coding strand, the complement: RNF43 is on the minus strand). VCF-style: chr17-58358669-G-A. GRCh37 (hg19) VCF-style: chr17-56436030-G-A.
Other names: c.1107C>T, p.Pro369= (NM_001305544.3, NM_001438820.1, NM_001438821.1 and 1 more transcripts); c.726C>T, p.Pro242= (NM_001305545.2, NM_001437987.1).
Identifiers: ClinVar variation 5042392 (VCV005042392.1).
Genomic context (GRCh38, chr17:58,358,669, plus strand): 5'-GCGGTGATGCCGAGGGCCCATGCCTGGCTCCTGGGATGGCAGGAAGGGACCAGGTCGTGG[G>A]GGCCGAGCCACTGCACTCCGGGAAGGGCCCAACAGGTAGGCAGCAGGGAGGTGGTAGTGG-3'
Protein context (NP_060233.3, residues 359-379): LGPSRSAVAR[Pro369=]PRPGPFLPSQ